The following is an entry in ClinVar:

NM_020778.5(ALPK3):c.2093TGCAGGGAGAGAAGGGGA[1] (p.698MQGEKG[1])

Gene: ALPK3 (alpha kinase 3; plus strand). Cytogenetic location: 15q25.3.
Variant type: Microsatellite.
Coding change: c.2093TGCAGGGAGAGAAGGGGA[1] on transcript NM_020778.5 (MANE Select); one copy of the 18-base unit TGCAGGGAGAGAAGGGGA starting at c.2093; the reference has two copies in a row; one copy, 18 bases deleted.
Protein change: p.698MQGEKG[1].
Molecular consequence: inframe deletion.
Genome position (GRCh38, 1-based): chr15:84,856,849-84,856,866, TGCAGGGAGAGAAGGGGA deleted; deleting any 18 consecutive bases within chr15:84,856,828-84,856,866 gives the same sequence; the position shown is the placement nearest the transcript's 3' end. VCF-style (leftmost placement, unchanged base first): chr15-84856827-AGGATGCAGGGAGAGAAGG-A. GRCh37 (hg19) VCF-style: chr15-85400058-AGGATGCAGGGAGAGAAGG-A.
Other names: c.2717_2734del18 (NM_020778.4).
Identifiers: ClinVar variation 503792 (VCV000503792.13), dbSNP rs759322802, ClinGen allele CA7709336.

ClinVar aggregate classification (germline): Uncertain significance. Review status: criteria provided, multiple submitters, no conflicts (2 of 4 stars). 5 submissions from 5 submitters: Uncertain significance (5). Last evaluated 2026-01-12.

Conditions:
ALPK3-related disorder. Also called: ALPK3-related condition.
Cardiovascular phenotype. Identifiers: MedGen CN230736.

Submissions (5):

Labcorp Genetics (formerly Invitae), Labcorp
Classification: Uncertain significance. Last evaluated: 2026-01-12. Review status: criteria provided, single submitter. Criteria: Invitae Variant Classification Sherloc (09022015). Collection method: clinical testing. Allele origin: germline.
Comment: This variant, c.2717_2734del, results in the deletion of 6 amino acid(s) of the ALPK3 protein (p.Met906_Gly911del), but otherwise preserves the integrity of the reading frame. This variant is present in population databases (rs759322802, gnomAD 0.009%). This variant has been observed in individual(s) with dilated cardiomyopathy (PMID: 32480058). Experimental studies and prediction algorithms are not available or were not evaluated, and the functional significance of this variant is currently unknown. In summary, the available evidence is currently insufficient to determine the role of this variant in disease. Therefore, it has been classified as a Variant of Uncertain Significance.

PreventionGenetics, part of Exact Sciences
Classification: Uncertain significance for ALPK3-related condition. Last evaluated: 2025-09-24. Review status: criteria provided, single submitter. Criteria: ACMG Guidelines, 2015. Collection method: clinical testing. Allele origin: germline.
Comment: The ALPK3 c.2717_2734del18 variant is predicted to result in an in-frame deletion (p.Met906_Gly911del). This variant has been reported in an individual with dilated cardiomyopathy (Supplementary Table IV, Patient P-70007611, Herkert et al. 2020. PubMed ID: 32480058). This variant is reported in 0.0093% of alleles in individuals of European (Non-Finnish) descent in gnomAD. At this time, the clinical significance of this variant is uncertain due to the absence of conclusive functional and genetic evidence.

Ambry Genetics
Classification: Uncertain significance for Cardiovascular phenotype. Last evaluated: 2025-08-11. Review status: criteria provided, single submitter. Criteria: Ambry Variant Classification Scheme 2023. Collection method: clinical testing. Allele origin: germline.
Comment: The c.2717_2734del18 variant (also known as p.M906_G911del) is located in coding exon 6 of the ALPK3 gene. This variant results from an in-frame TGCAGGGAGAGAAGGGGA deletion at nucleotide positions 2717 to 2734. This results in the in-frame deletion of six amino acids (MQGEKG) at amino acid positions 906 to 911. This variant has been detected in the heterozygous state in an individual reported to have dilated cardiomyopathy; however, details were limited (Herkert JC et al. Am Heart J, 2020 07;225:108-119). Based on data from gnomAD, this allele has an overall frequency of 0.005% (15/282734) total alleles studied. The highest observed frequency was 0.009% (12/129112) of European (non-Finnish) alleles. This amino acid region is not well conserved in available vertebrate species. In addition, this alteration is predicted to be neutral by in silico analysis (Choi Y et al. PLoS ONE. 2012; 7(10):e46688). Since supporting evidence is limited at this time, the clinical significance of this alteration remains unclear.

Blueprint Genetics
Classification: Uncertain significance. Last evaluated: 2024-08-29. Review status: criteria provided, single submitter. Criteria: ACMG Guidelines, 2015. Collection method: clinical testing. Allele origin: germline.

GeneDx
Classification: Uncertain significance. Last evaluated: 2018-09-05. Review status: criteria provided, single submitter. Criteria: GeneDx Variant Classification (06012015). Collection method: clinical testing. Allele origin: germline. Affected: yes.
Comment: A variant of uncertain significance has been identified in the ALPK3 gene. The c.2717_2734del18 variant has not been published as pathogenic or been reported as benign to our knowledge. This variant is observed in 14/277130 (0.005%) alleles from individuals from multiple ethnic backgrounds in large population cohorts (Lek et al., 2016). The c.2717_2734del18 variant results in an in frame deletion of six amino acids, denoted p.M906_G911del. This deletion occurs in a repetitive region that does not have a known function. Furthermore, no in frame deletions have been reported in association with cardiomyopathy in the Human Gene Mutation Database (Stenson et al., 2014). Therefore, based on the currently available information, it is unclear whether this variant is pathogenic or rare benign.

Literature cited by the submitters: PubMed 32480058 (cited by Labcorp Genetics (formerly Invitae), Labcorp and Ambry Genetics).